The following is an entry in ClinVar:

ClinVar aggregate classification (germline): Pathogenic (1 of 4 stars; one submission).

Conditions:
Hereditary cancer-predisposing syndrome. Also called: Hereditary Cancer Syndrome; Hereditary neoplastic syndrome; Neoplastic Syndromes, Hereditary; Tumor predisposition. Identifiers: Orphanet 140162, MedGen C0027672, MeSH D009386, MONDO:0015356.

Submission:

Ambry Genetics
Classification: Pathogenic for Hereditary cancer-predisposing syndrome. Last evaluated: 2022-08-05. Review status: criteria provided, single submitter. Criteria: Ambry Variant Classification Scheme 2023. Collection method: clinical testing. Allele origin: germline.
Comment: The c.428dupA variant, located in coding exon 2 of the PHOX2B gene, results from a duplication of A at nucleotide position 428, causing a translational frameshift with a predicted alternate stop codon (p.V144Gfs*34). This alteration occurs at the 3' terminus of thePHOX2B gene, is not expected to trigger nonsense-mediated mRNA decay, and only impacts the last 171 amino acids of the protein. However, premature stop codons are typically deleterious in nature and a significant portion of the protein is affected (Ambry internal data). This variant is considered to be rare based on population cohorts in the Genome Aggregation Database (gnomAD). Based on the supporting evidence, this alteration is interpreted as a disease-causing mutation.

NM_003924.4(PHOX2B):c.428dup (p.Val144fs)

Gene: PHOX2B (paired like homeobox 2B; minus strand). Cytogenetic location: 4p13.
Variant type: Duplication.
Coding change: c.428dup on transcript NM_003924.4 (MANE Select); coding-DNA position 428, one base duplicated (A; older notation c.428dupA).
Protein change: p.Val144fs; shifts the reading frame from valine 144.
Molecular consequence: frameshift variant.
Genome position (GRCh38, 1-based): chr4:41,747,350, T duplicated on the plus strand (A on the coding strand, the reverse complement: PHOX2B is on the minus strand). VCF-style (leftmost placement, unchanged base first): chr4-41747349-C-CT. GRCh37 (hg19) VCF-style: chr4-41749366-C-CT.
Other names: c.428dupA (NM_003924.3); short protein forms V144fs.
Identifiers: ClinVar variation 1739416 (VCV001739416.2), dbSNP rs2552097010, ClinGen allele CA2580071026.